The following is an entry in ClinVar:

ClinVar aggregate classification (germline): Conflicting classifications of pathogenicity. Review status: criteria provided, conflicting classifications (1 of 4 stars). 4 submissions from 4 submitters: Uncertain significance (2); Likely benign (2). Last evaluated 2026-05-27.

Conditions:
Cardiovascular phenotype. Identifiers: MedGen CN230736.

Allele frequency attached by ClinVar (database versions not stated): gnomAD 0.00003; TOPMed 0.00003; ExAC 0.00007; 1000 Genomes Project 0.00020; 1000 Genomes Project 30x 0.00031.
gnomAD v4.1: 56 of 1,550,178 alleles (0.0036%); highest among the groups gnomAD compares: South Asian, 0.027%; no homozygotes.

Submissions (4):

Women's Health and Genetics/Laboratory Corporation of America, LabCorp
Classification: Uncertain significance. Last evaluated: 2026-05-27. Review status: criteria provided, single submitter. Criteria: LabCorp Variant Classification Summary - May 2015. Collection method: clinical testing. Allele origin: germline.
Comment: Variant summary: ZNF469 c.10900G>A (p.Ala3634Thr) results in a non-conservative amino acid change in the encoded protein sequence. Algorithms developed to predict the effect of missense changes on protein structure and function are either unavailable or do not agree on the potential impact of this missense change. The variant allele was found at a frequency of 4.7e-05 in 148298 control chromosomes. The available data on variant occurrences in the general population are insufficient to allow any conclusion about variant significance. To our knowledge, no occurrence of c.10900G>A in individuals affected with ZNF469-related conditions and no experimental evidence demonstrating its impact on protein function have been reported. ClinVar contains an entry for this variant (Variation ID: 2914854). Based on the evidence outlined above, the variant was classified as uncertain significance.

GeneDx
Classification: Likely benign. Last evaluated: 2024-12-18. Review status: criteria provided, single submitter. Criteria: GeneDx Variant Classification Process June 2021. Collection method: clinical testing. Allele origin: germline. Affected: yes.
Comment: See Variant Classification Assertion Criteria.

Ambry Genetics
Classification: Likely benign for Cardiovascular phenotype. Last evaluated: 2024-12-13. Review status: criteria provided, single submitter. Criteria: Ambry Variant Classification Scheme 2023. Collection method: clinical testing. Allele origin: germline.

Labcorp Genetics (formerly Invitae), Labcorp
Classification: Uncertain significance. Last evaluated: 2023-12-22. Review status: criteria provided, single submitter. Criteria: Invitae Variant Classification Sherloc (09022015). Collection method: clinical testing. Allele origin: germline.
Comment: This sequence change replaces alanine, which is neutral and non-polar, with threonine, which is neutral and polar, at codon 3606 of the ZNF469 protein (p.Ala3606Thr). This variant is present in population databases (rs533583323, gnomAD 0.01%). This variant has not been reported in the literature in individuals affected with ZNF469-related conditions. Algorithms developed to predict the effect of missense changes on protein structure and function output the following: SIFT: "Not Available"; PolyPhen-2: "Benign"; Align-GVGD: "Not Available". The threonine amino acid residue is found in multiple mammalian species, which suggests that this missense change does not adversely affect protein function. In summary, the available evidence is currently insufficient to determine the role of this variant in disease. Therefore, it has been classified as a Variant of Uncertain Significance.

NM_001367624.2(ZNF469):c.10900G>A (p.Ala3634Thr)

Gene: ZNF469 (zinc finger protein 469; plus strand). Cytogenetic location: 16q24.2.
Variant type: single nucleotide variant.
Coding change: c.10900G>A on transcript NM_001367624.2 (MANE Select); coding-DNA position 10900, G replaced by A.
Protein change: p.Ala3634Thr; replaces alanine 3634 with threonine.
Molecular consequence: missense variant.
Genome position (GRCh38, 1-based): chr16:88,438,370, G>A. VCF-style: chr16-88438370-G-A. GRCh37 (hg19) VCF-style: chr16-88504778-G-A.
Other names: NM_001127464.1:c.10816G>A; short protein forms A3634T.
Identifiers: ClinVar variation 2914854 (VCV002914854.4), dbSNP rs533583323, ClinGen allele CA8225563.